The following is an entry in ClinVar:

NM_022552.5(DNMT3A):c.1060_1069del (p.Phe354fs)

Gene: DNMT3A (DNA methyltransferase 3 alpha; minus strand). Cytogenetic location: 2p23.3.
Variant type: Deletion.
Coding change: c.1060_1069del on transcript NM_022552.5 (MANE Select); coding-DNA positions 1060 to 1069, 10 bases deleted (TTCCACCAGG; older notation c.1060_1069delTTCCACCAGG).
Protein change: p.Phe354fs; shifts the reading frame from phenylalanine 354.
Molecular consequence: frameshift variant. On other transcripts: non-coding transcript variant (1).
Genome position (GRCh38, 1-based): chr2:25,247,104-25,247,113, CCTGGTGGAA deleted on the plus strand (TTCCACCAGG on the coding strand, the reverse complement: DNMT3A is on the minus strand); deleting any 10 consecutive bases within chr2:25,247,104-25,247,114 gives the same sequence; the c. name uses the placement nearest the transcript's 3' end. VCF-style (leftmost placement, unchanged base first): chr2-25247103-GCCTGGTGGAA-G. GRCh37 (hg19) VCF-style: chr2-25469972-GCCTGGTGGAA-G.
Other names: c.1060_1069delTTCCACCAGG (NM_175629.2); c.604_613del, p.Phe202fs (NM_001320893.1); c.391_400del, p.Phe131fs (NM_001375819.1); c.493_502del, p.Phe165fs (NM_153759.3); c.1060_1069del, p.Phe354fs (NM_175629.2); short protein forms F354fs, F202fs, F165fs, F131fs.
Identifiers: ClinVar variation 569775 (VCV000569775.7), dbSNP rs1558671136, ClinGen allele CA891843222.

ClinVar aggregate classification (germline): Pathogenic (1 of 4 stars; one submission).

Conditions:
Tatton-Brown-Rahman overgrowth syndrome. Also called: Tall stature-intellectual disability-facial dysmorphism syndrome; Tatton-Brown-Rahman syndrome. Identifiers: Orphanet 404443, MedGen C4014545, MONDO:0014382, OMIM 615879.

Submission:

Labcorp Genetics (formerly Invitae), Labcorp
Classification: Pathogenic for Tatton-Brown-Rahman overgrowth syndrome. Last evaluated: 2017-08-19. Review status: criteria provided, single submitter. Criteria: Invitae Variant Classification Sherloc (09022015). Collection method: clinical testing. Allele origin: germline.
Comment: This sequence change creates a premature translational stop signal (p.Phe354Profs*50) in the DNMT3A gene. It is expected to result in an absent or disrupted protein product. This variant is not present in population databases (ExAC no frequency). This variant has not been reported in the literature in individuals with DNMT3A-related disease. Loss-of-function variants in DNMT3A are known to be pathogenic (PMID: 24614070). For these reasons, this variant has been classified as Pathogenic.

Literature cited by the submitters: PubMed 24614070.